The following is an entry in ClinVar:

ClinVar aggregate classification (germline): Likely benign (1 of 4 stars; one submission).

Allele frequency attached by ClinVar (database versions not stated): gnomAD 0.00716 and 0.00757; 1000 Genomes Project 0.00848; TOPMed 0.00850; 1000 Genomes Project 30x 0.00895.
gnomAD v4.1: 791 of 110,889 alleles (0.71%); highest among the groups gnomAD compares: African/African-American, 2.4%; 6 homozygotes.

Submission:

GeneDx
Classification: Likely benign. Last evaluated: 2018-06-14. Review status: criteria provided, single submitter. Criteria: GeneDx Variant Classification (06012015). Collection method: clinical testing. Allele origin: germline. Affected: yes.
Comment: This variant is considered likely benign or benign based on one or more of the following criteria: it is a conservative change, it occurs at a poorly conserved position in the protein, it is predicted to be benign by multiple in silico algorithms, and/or has population frequency not consistent with disease.

NM_004006.3(DMD):c.3162+156C>T

Gene: DMD (dystrophin; minus strand). Cytogenetic location: Xp21.1.
Variant type: single nucleotide variant.
Coding change: c.3162+156C>T on transcript NM_004006.3 (MANE Select); 156 bases into the intron after coding-DNA position 3162, C replaced by T.
Molecular consequence: intron variant.
Genome position (GRCh38, 1-based): chrX:32,468,342, G>A on the plus strand (C>T on the coding strand, the complement: DMD is on the minus strand). VCF-style: chrX-32468342-G-A. GRCh37 (hg19) VCF-style: chrX-32486459-G-A.
Other names: c.3138+156C>T (NM_000109.4); c.3150+156C>T (NM_004009.3); c.2793+156C>T (NM_004010.3).
Identifiers: ClinVar variation 675655 (VCV000675655.1), dbSNP rs138099194, ClinGen allele CA328004553.